The following is an entry in ClinVar:

NM_016203.4(PRKAG2):c.485C>T (p.Ser162Phe)

Gene: PRKAG2 (protein kinase AMP-activated non-catalytic subunit gamma 2; minus strand). Cytogenetic location: 7q36.1.
Variant type: single nucleotide variant.
Coding change: c.485C>T on transcript NM_016203.4 (MANE Select); coding-DNA position 485, C replaced by T.
Protein change: p.Ser162Phe; replaces serine 162 with phenylalanine.
Molecular consequence: missense variant.
Genome position (GRCh38, 1-based): chr7:151,675,619, G>A on the plus strand (C>T on the coding strand, the complement: PRKAG2 is on the minus strand). VCF-style: chr7-151675619-G-A. GRCh37 (hg19) VCF-style: chr7-151372705-G-A.
Other names: c.485C>T (NM_016203.3); c.353C>T, p.Ser118Phe (NM_001040633.2); c.113C>T, p.Ser38Phe (NM_001304527.2, NM_001363698.2); short protein forms S118F, S38F, S162F.
Identifiers: ClinVar variation 1345485 (VCV001345485.8), dbSNP rs779526669, ClinGen allele CA370188365.

ClinVar aggregate classification (germline): Uncertain significance. Review status: criteria provided, multiple submitters, no conflicts (2 of 4 stars). 2 submissions from 2 submitters: Uncertain significance (2). Last evaluated 2024-06-19.

Conditions:
Cardiovascular phenotype. Identifiers: MedGen CN230736.
Lethal congenital glycogen storage disease of heart. Also called: PHOSPHORYLASE KINASE DEFICIENCY OF HEART; GLYCOGEN STORAGE DISEASE OF HEART. Identifiers: Orphanet 439854, MedGen C1849813, MONDO:0009867, OMIM 261740.

gnomAD v4.1: 10 of 1,613,836 alleles (0.00062%); highest among the groups gnomAD compares: Non-Finnish European, 0.00085%; no homozygotes.

Submissions (2):

Labcorp Genetics (formerly Invitae), Labcorp
Classification: Uncertain significance for Lethal congenital glycogen storage disease of heart. Last evaluated: 2024-06-19. Review status: criteria provided, single submitter. Criteria: Invitae Variant Classification Sherloc (09022015). Collection method: clinical testing. Allele origin: germline.
Comment: This sequence change replaces serine, which is neutral and polar, with phenylalanine, which is neutral and non-polar, at codon 162 of the PRKAG2 protein (p.Ser162Phe). This variant is not present in population databases (gnomAD no frequency). This variant has not been reported in the literature in individuals affected with PRKAG2-related conditions. ClinVar contains an entry for this variant (Variation ID: 1345485). Advanced modeling of protein sequence and biophysical properties (such as structural, functional, and spatial information, amino acid conservation, physicochemical variation, residue mobility, and thermodynamic stability) performed at Invitae indicates that this missense variant is not expected to disrupt PRKAG2 protein function with a negative predictive value of 95%. In summary, the available evidence is currently insufficient to determine the role of this variant in disease. Therefore, it has been classified as a Variant of Uncertain Significance.

Ambry Genetics
Classification: Uncertain significance for Cardiovascular phenotype. Last evaluated: 2023-05-07. Review status: criteria provided, single submitter. Criteria: Ambry Variant Classification Scheme 2023. Collection method: clinical testing. Allele origin: germline.
Comment: The p.S162F variant (also known as c.485C>T), located in coding exon 4 of the PRKAG2 gene, results from a C to T substitution at nucleotide position 485. The serine at codon 162 is replaced by phenylalanine, an amino acid with highly dissimilar properties. This amino acid position is conserved. In addition, the in silico prediction for this alteration is inconclusive. Since supporting evidence is limited at this time, the clinical significance of this alteration remains unclear.